The following is an entry in ClinVar:

NM_000165.5(GJA1):c.1132G>A (p.Asp378Asn)

Gene: GJA1 (gap junction protein alpha 1; plus strand). Cytogenetic location: 6q22.31.
Variant type: single nucleotide variant.
Coding change: c.1132G>A on transcript NM_000165.5 (MANE Select); coding-DNA position 1132, G replaced by A.
Protein change: p.Asp378Asn; replaces aspartic acid 378 with asparagine.
Molecular consequence: missense variant.
Genome position (GRCh38, 1-based): chr6:121,447,979, G>A. VCF-style: chr6-121447979-G-A. GRCh37 (hg19) VCF-style: chr6-121769125-G-A.
Other names: short protein forms D378N.
Identifiers: ClinVar variation 1366979 (VCV001366979.10), dbSNP rs553879521, ClinGen allele CA3981832.

ClinVar aggregate classification (germline): Uncertain significance. Review status: criteria provided, multiple submitters, no conflicts (2 of 4 stars). 2 submissions from 2 submitters: Uncertain significance (2). Last evaluated 2024-02-20.

Conditions:
Oculodentodigital dysplasia, autosomal recessive. Also called: OCULODENTOOSSEOUS DYSPLASIA, AUTOSOMAL RECESSIVE; ODDD, AUTOSOMAL RECESSIVE; ODOD, AUTOSOMAL RECESSIVE. Identifiers: Orphanet 2710, MedGen C2749477, MONDO:0009768, OMIM 257850.

Allele frequency attached by ClinVar (database versions not stated): gnomAD exomes 0.00004 and 0.00006; TOPMed 0.00012; gnomAD 0.00017; 1000 Genomes Project 0.00020; 1000 Genomes Project 30x 0.00031; ExAC 0.00004.
gnomAD v4.1: 77 of 1,612,884 alleles (0.0048%); highest among the groups gnomAD compares: Admixed American, 0.051%; 1 homozygote.

Submissions (2):

Labcorp Genetics (formerly Invitae), Labcorp
Classification: Uncertain significance for Oculodentodigital dysplasia, autosomal recessive. Last evaluated: 2024-02-20. Review status: criteria provided, single submitter. Criteria: Invitae Variant Classification Sherloc (09022015). Collection method: clinical testing. Allele origin: germline.
Comment: This sequence change replaces aspartic acid, which is acidic and polar, with asparagine, which is neutral and polar, at codon 378 of the GJA1 protein (p.Asp378Asn). This variant is present in population databases (rs553879521, gnomAD 0.02%). This variant has not been reported in the literature in individuals affected with GJA1-related conditions. ClinVar contains an entry for this variant (Variation ID: 1366979). Advanced modeling of protein sequence and biophysical properties (such as structural, functional, and spatial information, amino acid conservation, physicochemical variation, residue mobility, and thermodynamic stability) has been performed at Invitae for this missense variant, however the output from this modeling did not meet the statistical confidence thresholds required to predict the impact of this variant on GJA1 protein function. In summary, the available evidence is currently insufficient to determine the role of this variant in disease. Therefore, it has been classified as a Variant of Uncertain Significance.

Women's Health and Genetics/Laboratory Corporation of America, LabCorp
Classification: Uncertain significance. Last evaluated: 2024-02-07. Review status: criteria provided, single submitter. Criteria: LabCorp Variant Classification Summary - May 2015. Collection method: clinical testing. Allele origin: germline.
Comment: Variant summary: GJA1 c.1132G>A (p.Asp378Asn) results in a conservative amino acid change in the encoded protein sequence. Three of five in-silico tools predict a damaging effect of the variant on protein function. The variant allele was found at a frequency of 6.4e-05 in 249118 control chromosomes. To our knowledge, no occurrence of c.1132G>A in individuals affected with Oculodentodigital Dysplasia and no experimental evidence demonstrating its impact on protein function have been reported. ClinVar contains an entry for this variant (Variation ID: 1366979). Based on the evidence outlined above, the variant was classified as uncertain significance.